The following is an entry in ClinVar:

ClinVar aggregate classification (germline): Likely pathogenic (1 of 4 stars; one submission).

Conditions:
RYR1-related disorder. Also called: RYR1-related condition; RYR1-related disorders. Identifiers: MedGen CN239331.

gnomAD v4.1: 1 of 1,613,920 alleles (0.000062%); highest among the groups gnomAD compares: Non-Finnish European, 0.000085%; no homozygotes.

Submission:

Labcorp Genetics (formerly Invitae), Labcorp
Classification: Likely pathogenic for RYR1-related disorder. Last evaluated: 2025-06-01. Review status: criteria provided, single submitter. Criteria: Invitae Variant Classification Sherloc (09022015). Collection method: clinical testing. Allele origin: germline.
Comment: This sequence change affects a donor splice site in intron 61 of the RYR1 gene. It is expected to disrupt RNA splicing. Variants that disrupt the donor or acceptor splice site typically lead to a loss of protein function (PMID: 16199547), and loss-of-function variants in RYR1 are known to be pathogenic (PMID: 23919265, 25960145, 28818389, 30611313). This variant is present in population databases (no rsID available, gnomAD 0.0009%). Disruption of this splice site has been observed in individual(s) with congenital myopathy (PMID: 21911697). Algorithms developed to predict the effect of sequence changes on RNA splicing suggest that this variant may disrupt the consensus splice site. In summary, the currently available evidence indicates that the variant is pathogenic, but additional data are needed to prove that conclusively. Therefore, this variant has been classified as Likely Pathogenic.

Literature cited by the submitters: PubMed 16199547; PubMed 23919265; PubMed 25960145; PubMed 28818389; PubMed 30611313; PubMed 21911697.

NM_000540.3(RYR1):c.9172+1G>A

Gene: RYR1 (ryanodine receptor 1; plus strand). Cytogenetic location: 19q13.2.
Variant type: single nucleotide variant.
Coding change: c.9172+1G>A on transcript NM_000540.3 (MANE Select); the canonical splice donor site of the intron after coding-DNA position 9172, G replaced by A.
Molecular consequence: splice donor variant.
Genome position (GRCh38, 1-based): chr19:38,511,611, G>A. VCF-style: chr19-38511611-G-A. GRCh37 (hg19) VCF-style: chr19-39002251-G-A.
Other names: c.9172+1G>A (NM_001042723.2).
Identifiers: ClinVar variation 4710544 (VCV004710544.1).